The following is an entry in ClinVar:

NM_018196.4(TMLHE):c.263C>T (p.Ser88Phe)

Gene: TMLHE (trimethyllysine hydroxylase, epsilon; minus strand). Cytogenetic location: Xq28.
Variant type: single nucleotide variant.
Coding change: c.263C>T on transcript NM_018196.4 (MANE Select); coding-DNA position 263, C replaced by T.
Protein change: p.Ser88Phe; replaces serine 88 with phenylalanine.
Molecular consequence: missense variant.
Genome position (GRCh38, 1-based): chrX:155,524,551, G>A on the plus strand (C>T on the coding strand, the complement: TMLHE is on the minus strand). VCF-style: chrX-155524551-G-A. GRCh37 (hg19) VCF-style: chrX-154754212-G-A.
Other names: c.263C>T, p.Ser88Phe (NM_001184797.2); short protein forms S88F.
Identifiers: ClinVar variation 3778592 (VCV003778592.7).

ClinVar aggregate classification (germline): Uncertain significance (1 of 4 stars; one submission).

gnomAD v4.1: 3 of 1,209,567 alleles (0.00025%); highest among the groups gnomAD compares: Non-Finnish European, 0.00034%; no homozygotes.

Submission:

CeGaT Center for Human Genetics Tuebingen
Classification: Uncertain significance. Last evaluated: 2025-03-01. Review status: criteria provided, single submitter. Criteria: CeGaT Center For Human Genetics Tuebingen Variant Classification Criteria Version 2. Collection method: clinical testing. Allele origin: germline. Affected: yes. Observed: 1 variant allele.
Comment: TMLHE: PM2